The following is an entry in ClinVar:

ClinVar aggregate classification (germline): Uncertain significance. Review status: criteria provided, multiple submitters, no conflicts (2 of 4 stars). 2 submissions from 2 submitters: Uncertain significance (2). Last evaluated 2024-03-28.

Allele frequency attached by ClinVar (database versions not stated): gnomAD 0.00001; TOPMed 0.00001.
gnomAD v4.1: 31 of 1,614,012 alleles (0.0019%); highest among the groups gnomAD compares: South Asian, 0.013%; no homozygotes.

Submissions (2):

Blueprint Genetics
Classification: Uncertain significance. Last evaluated: 2024-03-28. Review status: criteria provided, single submitter. Criteria: ACMG Guidelines, 2015. Collection method: clinical testing. Allele origin: germline.

Labcorp Genetics (formerly Invitae), Labcorp
Classification: Uncertain significance. Last evaluated: 2022-08-10. Review status: criteria provided, single submitter. Criteria: Invitae Variant Classification Sherloc (09022015). Collection method: clinical testing. Allele origin: germline.
Comment: This sequence change replaces glycine, which is neutral and non-polar, with alanine, which is neutral and non-polar, at codon 1043 of the NUP205 protein (p.Gly1043Ala). This variant is present in population databases (no rsID available, gnomAD 0.01%). This variant has not been reported in the literature in individuals affected with NUP205-related conditions. Algorithms developed to predict the effect of missense changes on protein structure and function are either unavailable or do not agree on the potential impact of this missense change (SIFT: "Tolerated"; PolyPhen-2: "Possibly Damaging"; Align-GVGD: "Class C0"). In summary, the available evidence is currently insufficient to determine the role of this variant in disease. Therefore, it has been classified as a Variant of Uncertain Significance.

NM_015135.3(NUP205):c.3128G>C (p.Gly1043Ala)

Gene: NUP205 (nucleoporin 205; plus strand). Cytogenetic location: 7q33.
Variant type: single nucleotide variant.
Coding change: c.3128G>C on transcript NM_015135.3 (MANE Select); coding-DNA position 3128, G replaced by C.
Protein change: p.Gly1043Ala; replaces glycine 1043 with alanine.
Molecular consequence: missense variant.
Genome position (GRCh38, 1-based): chr7:135,607,304, G>C. VCF-style: chr7-135607304-G-C. GRCh37 (hg19) VCF-style: chr7-135292052-G-C.
Other names: c.2054G>C, p.Gly685Ala (NM_001329434.2); short protein forms G1043A, G685A.
Identifiers: ClinVar variation 2169109 (VCV002169109.2), dbSNP rs1401990414, ClinGen allele CA369342534.